The following is an entry in ClinVar:

ClinVar aggregate classification (germline): Likely benign. Review status: criteria provided, multiple submitters, no conflicts (2 of 4 stars). 4 submissions from 4 submitters: Likely benign (2). 2 of the submissions do not count toward it. Last evaluated 2024-11-23.

Conditions:
NFIL3-related disorder. Also called: NFIL3-related condition.

Allele frequency attached by ClinVar (database versions not stated): 1000 Genomes Project 0.00160; 1000 Genomes Project 30x 0.00203; gnomAD exomes 0.00218 and 0.00324; ExAC 0.00227; gnomAD 0.00241 and 0.00255; TOPMed 0.00251; ESP Exome Variant Server 0.00338.

Submissions (4):

Blueprint Genetics
Classification: Likely benign. Last evaluated: 2024-11-23. Review status: criteria provided, single submitter. Criteria: ACMG Guidelines, 2015. Collection method: clinical testing. Allele origin: germline.

CeGaT Center for Human Genetics Tuebingen
Classification: Likely benign. Last evaluated: 2024-09-01. Review status: criteria provided, single submitter. Criteria: CeGaT Center For Human Genetics Tuebingen Variant Classification Criteria Version 2. Collection method: clinical testing. Allele origin: germline. Affected: yes. Observed: 1 variant allele.
Comment: NFIL3: BP4, BS2

OMIM
Classification: Uncertain significance for VARIANT OF UNKNOWN SIGNIFICANCE. Last evaluated: 2022-06-13. Review status: no assertion criteria provided. Collection method: literature only. Allele origin: germline. Not counted in ClinVar's aggregate classification.

PreventionGenetics, part of Exact Sciences
Classification: Likely benign for NFIL3-related condition. Last evaluated: 2022-04-22. Review status: no assertion criteria provided. Collection method: clinical testing. Allele origin: germline. Not counted in ClinVar's aggregate classification.
Comment: This variant is classified as likely benign based on ACMG/AMP sequence variant interpretation guidelines (Richards et al. 2015 PMID: 25741868, with internal and published modifications).

Literature cited by the submitters: PubMed 30552177 (cited by OMIM).

NM_005384.3(NFIL3):c.510G>A (p.Met170Ile)

Gene: NFIL3 (nuclear factor, interleukin 3 regulated; minus strand). Cytogenetic location: 9q22.31.
Variant type: single nucleotide variant.
Coding change: c.510G>A on transcript NM_005384.3 (MANE Select); coding-DNA position 510, G replaced by A.
Protein change: p.Met170Ile; replaces methionine 170 with isoleucine.
Molecular consequence: missense variant.
Genome position (GRCh38, 1-based): chr9:91,410,225, C>T on the plus strand (G>A on the coding strand, the complement: NFIL3 is on the minus strand). VCF-style: chr9-91410225-C-T. GRCh37 (hg19) VCF-style: chr9-94172507-C-T.
Other names: M170I; c.510G>A (NM_005384.2); c.510G>A, p.Met170Ile (NM_001289999.2, NM_001290000.2).
Identifiers: ClinVar variation 1693511 (VCV001693511.18), dbSNP rs142259863, ClinGen allele CA5120104.